The following is an entry in ClinVar:

NM_004208.4(AIFM1):c.1646C>T (p.Ala549Val)

Genes: AIFM1 (apoptosis inducing factor mitochondria associated 1; minus strand), RAB33A (RAB33A, member RAS oncogene family; plus strand). Cytogenetic location: Xq26.1.
Variant type: single nucleotide variant.
Coding change: c.1646C>T on transcript NM_004208.4 (MANE Select); coding-DNA position 1646, C replaced by T.
Protein change: p.Ala549Val; replaces alanine 549 with valine.
Molecular consequence: missense variant. On other transcripts: 3 prime UTR variant (1), non-coding transcript variant (1).
Genome position (GRCh38, 1-based): chrX:130,130,094, G>A on the plus strand (C>T on the coding strand, the complement: AIFM1 is on the minus strand). VCF-style: chrX-130130094-G-A. GRCh37 (hg19) VCF-style: chrX-129264069-G-A.
Other names: NC_000023.10:g.129264069G>A; c.629C>T, p.Ala210Val (NM_001130846.4); c.*874C>T (NM_001130847.4); c.1634C>T, p.Ala545Val (NM_145812.3); short protein forms A549V, A545V, A210V.
Identifiers: ClinVar variation 373913 (VCV000373913.11), dbSNP rs761953453, ClinGen allele CA10515240.

ClinVar aggregate classification (germline): Conflicting classifications of pathogenicity. Review status: criteria provided, conflicting classifications (1 of 4 stars). 6 submissions from 5 submitters: Likely pathogenic (1); Uncertain significance (4). 1 of the submissions does not count toward it. Last evaluated 2025-08-26.

Conditions:
Spondyloepimetaphyseal dysplasia, Bieganski type. Also called: SEMD X-linked with mental deterioration; Leukoencephalopathy with metaphyseal chondrodysplasia; Spondyloepimetaphyseal dysplasia, X-linked, with hypomyelinating leukodystrophy. Identifiers: Orphanet 168448, Orphanet 83629, MedGen C1846148, MONDO:0010275, OMIM 300232.
Charcot-Marie-Tooth disease X-linked recessive 4 (CMTX4). Also called: Cowchock syndrome; CHARCOT-MARIE-TOOTH DISEASE WITH DEAFNESS AND MENTAL RETARDATION; CHARCOT-MARIE-TOOTH DISEASE, X-LINKED RECESSIVE, 4, WITH OR WITHOUT CEREBELLAR ATAXIA. Identifiers: Orphanet 101078, MedGen C0795910, MONDO:0010689, OMIM 310490.
Combined oxidative phosphorylation deficiency. Identifiers: MedGen C4540031, MONDO:0000732.
Charcot-Marie-Tooth Neuropathy X. Identifiers: MedGen CN118851.
Leukodystrophy. Identifiers: Orphanet 68356, MedGen C0023520, MONDO:0019046, HP:0002415.

Allele frequency attached by ClinVar (database versions not stated): ExAC 0.00001; gnomAD exomes 0.00001 and below 0.00001; gnomAD 0.00001; TOPMed 0.00001.
gnomAD v4.1: 3 of 1,209,999 alleles (0.00025%); highest among the groups gnomAD compares: Non-Finnish European, 0.00034%; no homozygotes.

Submissions (7):

Dasa
Classification: Uncertain significance. Last evaluated: 2025-08-26. Review status: criteria provided, single submitter. Criteria: DASA Assertion Criteria. Collection method: clinical testing. Allele origin: germline.
Comment: NM_004208.4(AIFM1):c.1646C>T (p.Ala549Val) is a missense variant that results in the substitution of alanine with valine. This variant is rare in population databases. Computational prediction algorithms are consistent with a benign effect. The currently available literature and clinical evidence are not sufficient to establish a definitive association between this variant and the reported condition. Therefore, this variant is classified as a variant of uncertain significance.

Labcorp Genetics (formerly Invitae), Labcorp
Classification: Uncertain significance for Charcot-Marie-Tooth Neuropathy X; Combined oxidative phosphorylation deficiency. Last evaluated: 2025-04-01. Review status: criteria provided, single submitter. Criteria: Invitae Variant Classification Sherloc (09022015). Collection method: clinical testing. Allele origin: germline.
Comment: This sequence change replaces alanine, which is neutral and non-polar, with valine, which is neutral and non-polar, at codon 549 of the AIFM1 protein (p.Ala549Val). This variant is present in population databases (rs761953453, gnomAD 0.002%). This missense change has been observed in individual(s) with clinical features of AIFM1-related conditions (PMID: 38927725). ClinVar contains an entry for this variant (Variation ID: 373913). Invitae Evidence Modeling of protein sequence and biophysical properties (such as structural, functional, and spatial information, amino acid conservation, physicochemical variation, residue mobility, and thermodynamic stability) indicates that this missense variant is not expected to disrupt AIFM1 protein function with a negative predictive value of 80%. In summary, the available evidence is currently insufficient to determine the role of this variant in disease. Therefore, it has been classified as a Variant of Uncertain Significance.

GeneDx
Classification: Uncertain significance. Last evaluated: 2022-05-09. Review status: criteria provided, single submitter. Criteria: GeneDx Variant Classification Process June 2021. Collection method: clinical testing. Allele origin: germline. Affected: yes.
Comment: In silico analysis supports that this missense variant does not alter protein structure/function; Has not been previously published as pathogenic or benign to our knowledge

Victorian Clinical Genetics Services, Murdoch Childrens Research Institute
Classification: Uncertain significance for Charcot-Marie-Tooth disease X-linked recessive 4. Last evaluated: 2020-10-19. Review status: criteria provided, single submitter. Criteria: ACMG Guidelines, 2015. Collection method: clinical testing. Allele origin: germline. Inheritance: X-linked recessive inheritance. Affected: yes.
Comment: Based on the classification scheme VCGS_Germline_v1.3.3, this variant is classified as VUS-3B. Following criteria are met: 0102 - Loss of function is a known mechanism of disease in this gene and is associated with Combined oxidative phosphorylation deficiency 6 (MIM#300816), Cowchock syndrome (MIM#310490), deafness, X-linked 5 (MIM#300614) and Spondyloepimetaphyseal dysplasia, X-linked, with hypomyelinating leukodystrophy (SEMDHL) (MIM#300232). Only missense have been reported for all conditions, where exon 7 mutations have only been associated to SEMDHL (OMIM, PMID: 28842795). (I) 0109 - This gene is associated with X-linked recessive disease. (I) 0200 - Variant is predicted to result in a missense amino acid change from alanine to valine. (I) 0219 - This variant is non-coding in an alternative transcript. However, this variant is coding in the longest and most highly expressed transcript (NCBI, GTex). (I) 0253 - This variant is hemizygous. (I) 0304 - Variant is present in gnomAD v2 <0.01 for a recessive condition (2 heterozygotes, 0, hemizygotes, 0 homozygotes). (SP) 0503 - Missense variant consistently predicted to be tolerated by multiple in silico tools or not conserved in placental mammals with a minor amino acid change. (SB) 0600 - Variant is located in the annotated AIF C-terminal domain (NCBI, PDB). (I) 0705 - No comparable missense variants have previous evidence for pathogenicity. (I) 0808 - Previous reports of pathogenicity for this variant are conflicting. This variant has been reported as both a VUS and likely pathogenic (ClinVar), but also as likely benign (deafnessvariationdatabase). (I) 0905 - No published segregation evidence has been identified for this variant. (I) 1007 - No published functional evidence has been identified for this variant. (I) 1208 - Inheritance information for this variant is not currently available in this individual. (I) Legend: (SP) - Supporting pathogenic, (I) - Information, (SB) - Supporting benign

Centre for Mendelian Genomics, University Medical Centre Ljubljana
Classification: Likely pathogenic for Spondyloepimetaphyseal dysplasia, Bieganski type. Last evaluated: 2016-01-01. Review status: criteria provided, single submitter. Criteria: ACMG Guidelines, 2015. Collection method: clinical testing. Allele origin: unknown. Affected: yes.
Comment: This variant was classified as: Likely pathogenic. This variant was detected in homozygous state.

Centre for Mendelian Genomics, University Medical Centre Ljubljana
Classification: Likely pathogenic for Leukodystrophy. Last evaluated: 2016-07-29. Review status: no assertion criteria provided. Collection method: clinical testing. Allele origin: unknown. Affected: yes. Not counted in ClinVar's aggregate classification.

Dr. Peter K. Rogan Lab, Western University
No classification provided (evidence only). Condition: Thyroid cancer, nonmedullary, 1. Review status: no classification provided. Collection method: in vitro. Allele origin: not applicable. Functional consequence: retained intron. Not counted in ClinVar's aggregate classification.

Literature cited by the submitters: PubMed 38927725 (cited by Labcorp Genetics (formerly Invitae), Labcorp); PubMed 28842795 (cited by Victorian Clinical Genetics Services, Murdoch Childrens Research Institute).